The following is an entry in ClinVar:

ClinVar aggregate classification (germline): Benign/Likely benign. Review status: criteria provided, multiple submitters, no conflicts (2 of 4 stars). 3 submissions from 3 submitters: Benign (1); Likely benign (2). Last evaluated 2025-04-30.

Conditions:
Hereditary sensory and autonomic neuropathy type 7. Also called: Neuropathy, hereditary sensory and autonomic, type VII; HSAN VII. Identifiers: Orphanet 391397, MedGen C3809882, MONDO:0014244, OMIM 615548.
Familial episodic pain syndrome with predominantly lower limb involvement. Also called: Episodic pain syndrome, familial, 3. Identifiers: Orphanet 391384, Orphanet 391392, MedGen C3809899, MONDO:0014247, OMIM 615552.
Inborn genetic diseases. Identifiers: MedGen C0950123, MeSH D030342.

Allele frequency attached by ClinVar (database versions not stated): TOPMed 0.00001; gnomAD 0.00001 and 0.00005; gnomAD exomes 0.00008 and 0.00016; 1000 Genomes Project 30x 0.00016; ExAC 0.00020; 1000 Genomes Project 0.00020.
gnomAD v4.1: 121 of 1,556,248 alleles (0.0078%); highest among the groups gnomAD compares: South Asian, 0.13%; 4 homozygotes.

Submissions (3):

Labcorp Genetics (formerly Invitae), Labcorp
Classification: Likely benign for Familial episodic pain syndrome with predominantly lower limb involvement; Hereditary sensory and autonomic neuropathy type 7. Last evaluated: 2025-04-30. Review status: criteria provided, single submitter. Criteria: Invitae Variant Classification Sherloc (09022015). Collection method: clinical testing. Allele origin: germline.

Mayo Clinic Laboratories, Mayo Clinic
Classification: Benign. Last evaluated: 2025-03-07. Review status: criteria provided, single submitter. Criteria: ACMG Guidelines, 2015. Collection method: clinical testing. Allele origin: germline. Observed: 1 variant allele.
Comment: BS1, BS2

Ambry Genetics
Classification: Likely benign for Inborn genetic diseases. Last evaluated: 2023-02-23. Review status: criteria provided, single submitter. Criteria: Ambry Variant Classification Scheme 2023. Collection method: clinical testing. Allele origin: germline.

NM_001349253.2(SCN11A):c.3958G>A (p.Gly1320Ser)

Gene: SCN11A (sodium voltage-gated channel alpha subunit 11; minus strand). Cytogenetic location: 3p22.2.
Variant type: single nucleotide variant.
Coding change: c.3958G>A on transcript NM_001349253.2 (MANE Select); coding-DNA position 3958, G replaced by A.
Protein change: p.Gly1320Ser; replaces glycine 1320 with serine.
Molecular consequence: missense variant.
Genome position (GRCh38, 1-based): chr3:38,863,293, C>T on the plus strand (G>A on the coding strand, the complement: SCN11A is on the minus strand). VCF-style: chr3-38863293-C-T. GRCh37 (hg19) VCF-style: chr3-38904784-C-T.
Other names: p.Gly1320Ser; c.3958G>A, p.Gly1320Ser (NM_014139.3); c.3958G>A (NM_014139.2); short protein forms G1320S.
Identifiers: ClinVar variation 1118676 (VCV001118676.10), dbSNP rs577088346, ClinGen allele CA2321634.
Genomic context (GRCh38, chr3:38,863,293, plus strand): 5'-CTAATTTTTTCATTGCATTATAGTATTTCTTCTGTTCTTCTGTCATAAAAATGTCTTGGC[C>T]ACCTAAGTATATGGAGAAGATAAGAGCTAATTACCTTTAACAGTTTTTTTTTTAATCTAG-3'
Protein context (NP_001336182.1, residues 1310-1330): NFNQQQKKLG[Gly1320Ser]QDIFMTEEQK